The following is an entry in ClinVar:

ClinVar aggregate classification (germline): Uncertain significance. Review status: criteria provided, multiple submitters, no conflicts (2 of 4 stars). 2 submissions from 2 submitters: Uncertain significance (2). Last evaluated 2025-03-07.

Conditions:
Inborn genetic diseases. Identifiers: MedGen C0950123, MeSH D030342.
Hajdu-Cheney syndrome (HJCYS). Also called: ACROOSTEOLYSIS WITH OSTEOPOROSIS AND CHANGES IN SKULL AND MANDIBLE; SERPENTINE FIBULA-POLYCYSTIC KIDNEY SYNDROME; Acroosteolysis dominant type. Identifiers: Orphanet 955, MedGen C0917715, MONDO:0007057, OMIM 102500.

Allele frequency attached by ClinVar (database versions not stated): TOPMed below 0.00001; gnomAD 0.00001.
gnomAD v4.1: 2 of 1,614,020 alleles (0.00012%); highest among the groups gnomAD compares: African/African-American, 0.0013%; no homozygotes.

Submissions (2):

Ambry Genetics
Classification: Uncertain significance for Inborn genetic diseases. Last evaluated: 2025-03-07. Review status: criteria provided, single submitter. Criteria: Ambry Variant Classification Scheme 2023. Collection method: clinical testing. Allele origin: germline.

Labcorp Genetics (formerly Invitae), Labcorp
Classification: Uncertain significance for Hajdu-Cheney syndrome. Last evaluated: 2023-08-18. Review status: criteria provided, single submitter. Criteria: Invitae Variant Classification Sherloc (09022015). Collection method: clinical testing. Allele origin: germline.
Comment: This sequence change replaces alanine, which is neutral and non-polar, with glycine, which is neutral and non-polar, at codon 1416 of the NOTCH2 protein (p.Ala1416Gly). This variant is present in population databases (no rsID available, gnomAD 0.01%). This variant has not been reported in the literature in individuals affected with NOTCH2-related conditions. Advanced modeling of protein sequence and biophysical properties (such as structural, functional, and spatial information, amino acid conservation, physicochemical variation, residue mobility, and thermodynamic stability) performed at Invitae indicates that this missense variant is not expected to disrupt NOTCH2 protein function. In summary, the available evidence is currently insufficient to determine the role of this variant in disease. Therefore, it has been classified as a Variant of Uncertain Significance.

NM_024408.4(NOTCH2):c.4247C>G (p.Ala1416Gly)

Gene: NOTCH2 (notch receptor 2; minus strand). Cytogenetic location: 1p12.
Variant type: single nucleotide variant.
Coding change: c.4247C>G on transcript NM_024408.4 (MANE Select); coding-DNA position 4247, C replaced by G.
Protein change: p.Ala1416Gly; replaces alanine 1416 with glycine.
Molecular consequence: missense variant.
Genome position (GRCh38, 1-based): chr1:119,925,569, G>C on the plus strand (C>G on the coding strand, the complement: NOTCH2 is on the minus strand). VCF-style: chr1-119925569-G-C. GRCh37 (hg19) VCF-style: chr1-120468192-G-C.
Other names: c.4247C>G (NM_024408.3); short protein forms A1416G.
Identifiers: ClinVar variation 2901054 (VCV002901054.4), dbSNP rs1286124918, ClinGen allele CA341890351.